The following is an entry in ClinVar:

ClinVar aggregate classification (germline): Uncertain significance (1 of 4 stars; one submission).

gnomAD v4.1: 5 of 1,337,266 alleles (0.00037%); highest among the groups gnomAD compares: Non-Finnish European, 0.00029%; no homozygotes.

Submission:

Labcorp Genetics (formerly Invitae), Labcorp
Classification: Uncertain significance. Last evaluated: 2024-07-29. Review status: criteria provided, single submitter. Criteria: Invitae Variant Classification Sherloc (09022015). Collection method: clinical testing. Allele origin: germline.
Comment: This sequence change replaces aspartic acid, which is acidic and polar, with asparagine, which is neutral and polar, at codon 635 of the BCL11B protein (p.Asp635Asn). This variant is not present in population databases (gnomAD no frequency). This variant has not been reported in the literature in individuals affected with BCL11B-related conditions. Advanced modeling of protein sequence and biophysical properties (such as structural, functional, and spatial information, amino acid conservation, physicochemical variation, residue mobility, and thermodynamic stability) performed at Invitae indicates that this missense variant is not expected to disrupt BCL11B protein function with a negative predictive value of 80%. In summary, the available evidence is currently insufficient to determine the role of this variant in disease. Therefore, it has been classified as a Variant of Uncertain Significance.

NM_138576.4(BCL11B):c.1903G>A (p.Asp635Asn)

Gene: BCL11B (BCL11 transcription factor B; minus strand). Cytogenetic location: 14q32.2.
Variant type: single nucleotide variant.
Coding change: c.1903G>A on transcript NM_138576.4 (MANE Select); coding-DNA position 1903, G replaced by A.
Protein change: p.Asp635Asn; replaces aspartic acid 635 with asparagine.
Molecular consequence: missense variant.
Genome position (GRCh38, 1-based): chr14:99,174,933, C>T on the plus strand (G>A on the coding strand, the complement: BCL11B is on the minus strand). VCF-style: chr14-99174933-C-T. GRCh37 (hg19) VCF-style: chr14-99641270-C-T.
Other names: c.1900G>A, p.Asp634Asn (NM_001282237.2); c.1687G>A, p.Asp563Asn (NM_001282238.2); c.1690G>A, p.Asp564Asn (NM_022898.3); short protein forms D634N, D635N, D564N, D563N.
Identifiers: ClinVar variation 3660750 (VCV003660750.2).